The following is an entry in ClinVar:

NM_000124.4(ERCC6):c.2402C>T (p.Ala801Val)

Gene: ERCC6 (ERCC excision repair 6, chromatin remodeling factor; minus strand). Cytogenetic location: 10q11.23.
Variant type: single nucleotide variant.
Coding change: c.2402C>T on transcript NM_000124.4 (MANE Select); coding-DNA position 2402, C replaced by T.
Protein change: p.Ala801Val; replaces alanine 801 with valine.
Molecular consequence: missense variant.
Genome position (GRCh38, 1-based): chr10:49,474,223, G>A on the plus strand (C>T on the coding strand, the complement: ERCC6 is on the minus strand). VCF-style: chr10-49474223-G-A. GRCh37 (hg19) VCF-style: chr10-50682269-G-A.
Other names: c.2402C>T, p.Ala801Val (NM_001346440.2); short protein forms A801V.
Identifiers: ClinVar variation 2421143 (VCV002421143.4), dbSNP rs765594141, ClinGen allele CA5495647.
Genomic context (GRCh38, chr10:49,474,223, plus strand): 5'-CCTTTGAGATTCTTGGGACCTCCAGAAAAGAGATCAGGGTGGTTGCAAATTTTTCTTAGG[G>A]CTATAAGTCCGGAGAAAATCTGTGGTAAGAAAGAGTACATGTACACTCAGATGACCCCAT-3'
Protein context (NP_000115.1, residues 791-811): GEMQIFSGLI[Ala801Val]LRKICNHPDL

ClinVar aggregate classification (germline): Uncertain significance (1 of 4 stars; one submission).

Allele frequency attached by ClinVar (database versions not stated): ExAC 0.00001; gnomAD exomes 0.00001; TOPMed 0.00004; gnomAD 0.00006.
gnomAD v4.1: 20 of 1,613,804 alleles (0.0012%); highest among the groups gnomAD compares: African/African-American, 0.02%; no homozygotes.

Submission:

Labcorp Genetics (formerly Invitae), Labcorp
Classification: Uncertain significance. Last evaluated: 2025-01-06. Review status: criteria provided, single submitter. Criteria: Invitae Variant Classification Sherloc (09022015). Collection method: clinical testing. Allele origin: germline.
Comment: This sequence change replaces alanine, which is neutral and non-polar, with valine, which is neutral and non-polar, at codon 801 of the ERCC6 protein (p.Ala801Val). This variant is present in population databases (rs765594141, gnomAD 0.03%). This variant has not been reported in the literature in individuals affected with ERCC6-related conditions. ClinVar contains an entry for this variant (Variation ID: 2421143). An algorithm developed to predict the effect of missense changes on protein structure and function outputs the following: PolyPhen-2: "Benign". The valine amino acid residue is found in multiple mammalian species, which suggests that this missense change does not adversely affect protein function. In summary, the available evidence is currently insufficient to determine the role of this variant in disease. Therefore, it has been classified as a Variant of Uncertain Significance.